The following is an entry in ClinVar:

ClinVar aggregate classification (germline): Uncertain significance. Review status: criteria provided, multiple submitters, no conflicts (2 of 4 stars). 2 submissions from 2 submitters: Uncertain significance (2). Last evaluated 2023-11-10.

Conditions:
Hereditary cancer-predisposing syndrome. Also called: Hereditary neoplastic syndrome; Neoplastic Syndromes, Hereditary; Hereditary Cancer Syndrome; Tumor predisposition. Identifiers: Orphanet 140162, MedGen C0027672, MeSH D009386, MONDO:0015356.
Bloom syndrome (BLM). Also called: Bloom-Torre-Machacek syndrome. Identifiers: Orphanet 125, MedGen C0005859, MONDO:0008876, OMIM 210900.

Submissions (2):

Ambry Genetics
Classification: Uncertain significance for Hereditary cancer-predisposing syndrome. Last evaluated: 2023-11-10. Review status: criteria provided, single submitter. Criteria: Ambry Variant Classification Scheme 2023. Collection method: clinical testing. Allele origin: germline.
Comment: The p.K1207E variant (also known as c.3619A>G), located in coding exon 18 of the BLM gene, results from an A to G substitution at nucleotide position 3619. The lysine at codon 1207 is replaced by glutamic acid, an amino acid with similar properties. This amino acid position is conserved. In addition, this alteration is predicted to be tolerated by in silico analysis. Since supporting evidence is limited at this time, the clinical significance of this alteration remains unclear.

Labcorp Genetics (formerly Invitae), Labcorp
Classification: Uncertain significance for Bloom syndrome. Last evaluated: 2022-06-13. Review status: criteria provided, single submitter. Criteria: Invitae Variant Classification Sherloc (09022015). Collection method: clinical testing. Allele origin: germline.
Comment: This sequence change replaces lysine, which is basic and polar, with glutamic acid, which is acidic and polar, at codon 1207 of the BLM protein (p.Lys1207Glu). This variant is not present in population databases (gnomAD no frequency). This variant has not been reported in the literature in individuals affected with BLM-related conditions. Algorithms developed to predict the effect of missense changes on protein structure and function (SIFT, PolyPhen-2, Align-GVGD) all suggest that this variant is likely to be tolerated. In summary, the available evidence is currently insufficient to determine the role of this variant in disease. Therefore, it has been classified as a Variant of Uncertain Significance.

NM_000057.4(BLM):c.3619A>G (p.Lys1207Glu)

Gene: BLM (BLM RecQ like helicase; plus strand). Cytogenetic location: 15q26.1.
Variant type: single nucleotide variant.
Coding change: c.3619A>G on transcript NM_000057.4 (MANE Select); coding-DNA position 3619, A replaced by G.
Protein change: p.Lys1207Glu; replaces lysine 1207 with glutamic acid.
Molecular consequence: missense variant. On other transcripts: intron variant (1).
Genome position (GRCh38, 1-based): chr15:90,804,227, A>G. VCF-style: chr15-90804227-A-G. GRCh37 (hg19) VCF-style: chr15-91347457-A-G.
Other names: c.3619A>G, p.Lys1207Glu (NM_001287246.2); c.2494A>G, p.Lys832Glu (NM_001287248.2); c.3359-4910A>G (NM_001287247.2); short protein forms K1207E, K832E.
Identifiers: ClinVar variation 2169028 (VCV002169028.5), dbSNP rs2505549882, ClinGen allele CA393848014.
Genomic context (GRCh38, chr15:90,804,227, plus strand): 5'-GTAGACTTTATGGAAACAGAAAATTCCAGCAGTGTGAAAAAACAAAAAGCGTTAGTAGCA[A>G]AAGTGTCTCAGAGGGAAGAGATGGTTAAAAAATGTCTTGGAGAACTTACAGAAGTCTGCA-3'
Protein context (NP_000048.1, residues 1197-1217): SVKKQKALVA[Lys1207Glu]VSQREEMVKK